The following is an entry in ClinVar:

ClinVar aggregate classification (germline): Uncertain significance. Review status: criteria provided, multiple submitters, no conflicts (2 of 4 stars). 3 submissions from 3 submitters: Uncertain significance (2). 1 of the submissions does not count toward it. Last evaluated 2025-08-15.

Conditions:
Malignant hyperthermia, susceptibility to, 1 (MHS1). Also called: RYR1-Related Malignant Hyperthermia Susceptibility; Malignant hyperthermia suceptibility 1; Anesthesia related hyperthermia; Malignant hyperpyrexia; Fulminating hyperpyrexia; Pharmacogenic myopathy. Identifiers: Orphanet 423, MedGen C2930980, MONDO:0007783, OMIM 145600.
RYR1-related disorder. Also called: RYR1-related condition; RYR1-related disorders. Identifiers: MedGen CN239331.

gnomAD v4.1: 5 of 1,614,132 alleles (0.00031%); highest among the groups gnomAD compares: Non-Finnish European, 0.00042%; no homozygotes.

Submissions (3):

Labcorp Genetics (formerly Invitae), Labcorp
Classification: Uncertain significance for RYR1-related disorder. Last evaluated: 2025-08-15. Review status: criteria provided, single submitter. Criteria: Invitae Variant Classification Sherloc (09022015). Collection method: clinical testing. Allele origin: germline.
Comment: This sequence change replaces arginine, which is basic and polar, with leucine, which is neutral and non-polar, at codon 3582 of the RYR1 protein (p.Arg3582Leu). This variant is present in population databases (rs142491855, gnomAD 0.002%). This variant has not been reported in the literature in individuals affected with RYR1-related conditions. ClinVar contains an entry for this variant (Variation ID: 2766734). Invitae Evidence Modeling of protein sequence and biophysical properties (such as structural, functional, and spatial information, amino acid conservation, physicochemical variation, residue mobility, and thermodynamic stability) indicates that this missense variant is not expected to disrupt RYR1 protein function with a negative predictive value of 80%. In summary, the available evidence is currently insufficient to determine the role of this variant in disease. Therefore, it has been classified as a Variant of Uncertain Significance.

All of Us Research Program, National Institutes of Health
Classification: Uncertain significance for Malignant hyperthermia, susceptibility to, 1. Last evaluated: 2024-05-14. Review status: criteria provided, single submitter. Criteria: ACMG Guidelines, 2015. Collection method: clinical testing. Allele origin: germline. Inheritance: Autosomal dominant inheritance. Observed: 1 variant allele, 1 heterozygote.
Comment: This missense variant replaces arginine with leucine at codon 3582 of the RYR1 protein. Computational prediction is inconclusive regarding the impact of this variant on protein structure and function (internally defined REVEL score threshold 0.5 < inconclusive < 0.7, PMID: 27666373). To our knowledge, functional studies have not been reported for this variant. This variant has not been reported in individuals affected with RYR1-related disorders in the literature. This variant has been identified in 2/251140 chromosomes in the general population by the Genome Aggregation Database (gnomAD). The available evidence is insufficient to determine the role of this variant in disease conclusively. Therefore, this variant is classified as a Variant of Uncertain Significance.

This study involves interpretation of variants in research participants for the purpose of population health screening. Participant phenotype was not available at the time of variant classification. Additional details can be found in publication PMID: 35346344, PMCID: PMC8962531

PreventionGenetics, part of Exact Sciences
Classification: Uncertain significance for RYR1-related condition. Last evaluated: 2024-02-21. Review status: no assertion criteria provided. Collection method: clinical testing. Allele origin: germline. Not counted in ClinVar's aggregate classification.
Comment: The RYR1 c.10745G>T variant is predicted to result in the amino acid substitution p.Arg3582Leu. To our knowledge, this variant has not been reported in the literature. This variant is reported in 0.0018% of alleles in individuals of European (Non-Finnish) descent in gnomAD. At this time, the clinical significance of this variant is uncertain due to the absence of conclusive functional and genetic evidence.

NM_000540.3(RYR1):c.10745G>T (p.Arg3582Leu)

Gene: RYR1 (ryanodine receptor 1; plus strand). Cytogenetic location: 19q13.2.
Variant type: single nucleotide variant.
Coding change: c.10745G>T on transcript NM_000540.3 (MANE Select); coding-DNA position 10745, G replaced by T.
Protein change: p.Arg3582Leu; replaces arginine 3582 with leucine.
Molecular consequence: missense variant.
Genome position (GRCh38, 1-based): chr19:38,527,705, G>T. VCF-style: chr19-38527705-G-T. GRCh37 (hg19) VCF-style: chr19-39018345-G-T.
Other names: c.10730G>T, p.Arg3577Leu (NM_001042723.2); short protein forms R3582L, R3577L.
Identifiers: ClinVar variation 2766734 (VCV002766734.6), dbSNP rs142491855, ClinGen allele CA054604.